The following is an entry in ClinVar:

NM_182961.4(SYNE1):c.13100T>C (p.Ile4367Thr)

Gene: SYNE1 (spectrin repeat containing nuclear envelope protein 1; minus strand). Cytogenetic location: 6q25.2.
Variant type: single nucleotide variant.
Coding change: c.13100T>C on transcript NM_182961.4 (MANE Select); coding-DNA position 13100, T replaced by C.
Protein change: p.Ile4367Thr; replaces isoleucine 4367 with threonine.
Molecular consequence: missense variant.
Genome position (GRCh38, 1-based): chr6:152,331,585, A>G on the plus strand (T>C on the coding strand, the complement: SYNE1 is on the minus strand). VCF-style: chr6-152331585-A-G. GRCh37 (hg19) VCF-style: chr6-152652720-A-G.
Other names: c.12887T>C, p.Ile4296Thr (NM_033071.5); short protein forms I4296T, I4367T.
Identifiers: ClinVar variation 594192 (VCV000594192.15), dbSNP rs371405185, ClinGen allele CA4056248.

ClinVar aggregate classification (germline): Uncertain significance. Review status: criteria provided, multiple submitters, no conflicts (2 of 4 stars). 3 submissions from 3 submitters: Uncertain significance (3). Last evaluated 2022-03-17.

Conditions:
Emery-Dreifuss muscular dystrophy 4, autosomal dominant (EDMD4). Also called: EMERY-DREIFUSS MUSCULAR DYSTROPHY 4 WITH VARIABLE FEATURES. Identifiers: Orphanet 261, MedGen C2751807, MONDO:0013071, OMIM 612998.
Autosomal recessive ataxia, Beauce type. Also called: SYNE1-Related Autosomal Recessive Cerebellar Ataxia; Spinocerebellar ataxia, autosomal recessive 8; ATAXIA, RECESSIVE, OF BEAUCE; SYNE1 Deficiency. Identifiers: Orphanet 88644, MedGen C1853116, MONDO:0012549, OMIM 610743.

Allele frequency attached by ClinVar (database versions not stated): gnomAD 0.00001; gnomAD exomes 0.00001; ExAC 0.00002; TOPMed 0.00002; ESP Exome Variant Server 0.00008.
gnomAD v4.1: 20 of 1,613,994 alleles (0.0012%); highest among the groups gnomAD compares: Non-Finnish European, 0.0016%; no homozygotes.

Submissions (3):

Revvity Omics, Revvity
Classification: Uncertain significance. Last evaluated: 2022-03-17. Review status: criteria provided, single submitter. Criteria: ACMG Guidelines, 2015. Collection method: clinical testing. Allele origin: germline.

Labcorp Genetics (formerly Invitae), Labcorp
Classification: Uncertain significance for Emery-Dreifuss muscular dystrophy 4, autosomal dominant; Autosomal recessive ataxia, Beauce type. Last evaluated: 2019-10-24. Review status: criteria provided, single submitter. Criteria: Invitae Variant Classification Sherloc (09022015). Collection method: clinical testing. Allele origin: germline.
Comment: In summary, the available evidence is currently insufficient to determine the role of this variant in disease. Therefore, it has been classified as a Variant of Uncertain Significance. Algorithms developed to predict the effect of missense changes on protein structure and function are either unavailable or do not agree on the potential impact of this missense change (SIFT: "Deleterious"; PolyPhen-2: "Benign"; Align-GVGD: "Class C65"). This variant has not been reported in the literature in individuals with SYNE1-related conditions. ClinVar contains an entry for this variant (Variation ID: 594192). This variant is present in population databases (rs371405185, ExAC 0.003%). This sequence change replaces isoleucine with threonine at codon 4296 of the SYNE1 protein (p.Ile4296Thr). The isoleucine residue is highly conserved and there is a moderate physicochemical difference between isoleucine and threonine.

Eurofins Ntd Llc (ga)
Classification: Uncertain significance. Last evaluated: 2017-09-22. Review status: criteria provided, single submitter. Criteria: EGL Classification Definitions 2015. Collection method: clinical testing. Allele origin: germline. Observed: 1 variant allele, 1 heterozygote.